The following is an entry in ClinVar:

NM_001377295.2(GNAT2):c.304-6T>C

Gene: GNAT2 (G protein subunit alpha transducin 2; minus strand). Cytogenetic location: 1p13.3.
Variant type: single nucleotide variant.
Coding change: c.304-6T>C on transcript NM_001377295.2 (MANE Select); 6 bases into the intron before coding-DNA position 304, T replaced by C.
Molecular consequence: intron variant.
Genome position (GRCh38, 1-based): chr1:109,608,794, A>G on the plus strand (T>C on the coding strand, the complement: GNAT2 is on the minus strand). VCF-style: chr1-109608794-A-G. GRCh37 (hg19) VCF-style: chr1-110151416-A-G.
Other names: c.304-6T>C (NM_001379232.1, NM_005272.5).
Identifiers: ClinVar variation 1381043 (VCV001381043.6), dbSNP rs1401749107, ClinGen allele CA525287557.

ClinVar aggregate classification (germline): Uncertain significance (1 of 4 stars; one submission).

Allele frequency attached by ClinVar (database versions not stated): gnomAD exomes below 0.00001 and 0.00003.
gnomAD v4.1: 17 of 1,613,200 alleles (0.0011%); highest among the groups gnomAD compares: East Asian, 0.036%; no homozygotes.

Submission:

Labcorp Genetics (formerly Invitae), Labcorp
Classification: Uncertain significance. Last evaluated: 2022-11-01. Review status: criteria provided, single submitter. Criteria: Invitae Variant Classification Sherloc (09022015). Collection method: clinical testing. Allele origin: germline.
Comment: In summary, the available evidence is currently insufficient to determine the role of this variant in disease. Therefore, it has been classified as a Variant of Uncertain Significance. Algorithms developed to predict the effect of sequence changes on RNA splicing suggest that this variant may create or strengthen a splice site. ClinVar contains an entry for this variant (Variation ID: 1381043). This variant has not been reported in the literature in individuals affected with GNAT2-related conditions. This variant is present in population databases (no rsID available, gnomAD 0.006%). This sequence change falls in intron 3 of the GNAT2 gene. It does not directly change the encoded amino acid sequence of the GNAT2 protein.